The following is an entry in ClinVar:

ClinVar aggregate classification (germline): Pathogenic (1 of 4 stars; one submission).

Submission:

Labcorp Genetics (formerly Invitae), Labcorp
Classification: Pathogenic. Last evaluated: 2024-12-22. Review status: criteria provided, single submitter. Criteria: Invitae Variant Classification Sherloc (09022015). Collection method: clinical testing. Allele origin: germline.
Comment: This sequence change creates a premature translational stop signal (p.Val2736Serfs*27) in the FAT4 gene. It is expected to result in an absent or disrupted protein product. Loss-of-function variants in FAT4 are known to be pathogenic (PMID: 24056717, 24913602). This variant is not present in population databases (gnomAD no frequency). This variant has not been reported in the literature in individuals affected with FAT4-related conditions. For these reasons, this variant has been classified as Pathogenic.

Literature cited by the submitters: PubMed 24056717; PubMed 24913602.

NM_001291303.3(FAT4):c.8211dup (p.Val2738fs)

Gene: FAT4 (FAT atypical cadherin 4; plus strand). Cytogenetic location: 4q28.1.
Variant type: Duplication.
Coding change: c.8211dup on transcript NM_001291303.3 (MANE Select); coding-DNA position 8211, one base duplicated (A; older notation c.8211dupA).
Protein change: p.Val2738fs; shifts the reading frame from valine 2738.
Molecular consequence: frameshift variant.
Genome position (GRCh38, 1-based): chr4:125,449,221, A duplicated; the last of 5 consecutive A bases (chr4:125,449,217-125,449,221); duplicating any one gives the same sequence. VCF-style (leftmost placement, unchanged base first): chr4-125449216-G-GA. GRCh37 (hg19) VCF-style: chr4-126370371-G-GA.
Other names: c.8211dup, p.Val2738fs (NM_001291285.3); c.8205dup, p.Val2736fs (NM_024582.6); short protein forms V2738fs, V2736fs.
Identifiers: ClinVar variation 3727775 (VCV003727775.2).